The following is an entry in ClinVar:

NM_000293.3(PHKB):c.595-1G>A

Gene: PHKB (phosphorylase kinase regulatory subunit beta; plus strand). Cytogenetic location: 16q12.1.
Variant type: single nucleotide variant.
Coding change: c.595-1G>A on transcript NM_000293.3 (MANE Select); the canonical splice acceptor site of the intron before coding-DNA position 595, G replaced by A.
Molecular consequence: splice acceptor variant.
Genome position (GRCh38, 1-based): chr16:47,547,432, G>A. VCF-style: chr16-47547432-G-A. GRCh37 (hg19) VCF-style: chr16-47581343-G-A.
Other names: c.595-1G>A (NM_001363837.1); c.574-1G>A (NM_001031835.3).
Identifiers: ClinVar variation 1485395 (VCV001485395.8), dbSNP rs2151672494, ClinGen allele CA395787147.

ClinVar aggregate classification (germline): Likely pathogenic (1 of 4 stars; one submission).

Conditions:
Glycogen storage disease IXb (GSD9B). Also called: PHOSPHORYLASE KINASE DEFICIENCY OF LIVER AND MUSCLE, AUTOSOMAL RECESSIVE; GLYCOGENOSIS OF LIVER AND MUSCLE, AUTOSOMAL RECESSIVE; GSD IXb. Identifiers: Orphanet 79240, MedGen C0543514, MONDO:0009868, OMIM 261750.

Submission:

Labcorp Genetics (formerly Invitae), Labcorp
Classification: Likely pathogenic for Glycogen storage disease IXb. Last evaluated: 2021-05-04. Review status: criteria provided, single submitter. Criteria: Invitae Variant Classification Sherloc (09022015). Collection method: clinical testing. Allele origin: germline.
Comment: In summary, the currently available evidence indicates that the variant is pathogenic, but additional data are needed to prove that conclusively. Therefore, this variant has been classified as Likely Pathogenic. This variant has not been reported in the literature in individuals with PHKB-related conditions. This variant is not present in population databases (ExAC no frequency). This sequence change affects an acceptor splice site in intron 6 of the PHKB gene. It is expected to disrupt RNA splicing. Variants that disrupt the donor or acceptor splice site typically lead to a loss of protein function (PMID: 16199547), and loss-of-function variants in PHKB are known to be pathogenic (PMID: 9215682, 9326319).

Literature cited by the submitters: PubMed 16199547; PubMed 9215682; PubMed 9326319.